The following is an entry in ClinVar:

NM_001170535.3(ATAD3A):c.1736_1737delinsCC (p.Arg579Pro)

Gene: ATAD3A (ATPase family AAA domain containing 3A; plus strand). Cytogenetic location: 1p36.33.
Variant type: Indel.
Coding change: c.1736_1737delinsCC on transcript NM_001170535.3 (MANE Select); coding-DNA positions 1736 to 1737, GT replaced by CC.
Protein change: p.Arg579Pro; replaces arginine 579 with proline.
Molecular consequence: missense variant.
Genome position (GRCh38, 1-based): chr1:1,534,047-1,534,048, GT replaced by CC. VCF-style: chr1-1534047-GT-CC. GRCh37 (hg19) VCF-style: chr1-1469427-GT-CC.
Other names: c.1499_1500delinsCC, p.Arg500Pro (NM_001170536.3); c.1880_1881delinsCC, p.Arg627Pro (NM_018188.5); short protein forms R627P, R500P, R579P.
Identifiers: ClinVar variation 2230279 (VCV002230279.2), dbSNP rs2520920754, ClinGen allele CA2580060432.

ClinVar aggregate classification (germline): Uncertain significance (1 of 4 stars; one submission).

Conditions:
Inborn genetic diseases. Identifiers: MedGen C0950123, MeSH D030342.

Submission:

Ambry Genetics
Classification: Uncertain significance for Inborn genetic diseases. Last evaluated: 2021-03-25. Review status: criteria provided, single submitter. Criteria: Ambry Variant Classification Scheme 2023. Collection method: clinical testing. Allele origin: germline.
Comment: The c.1880_1881delGTinsCC (p.R627P) alteration, located in exon 16 (coding exon 16) of the ATAD3A gene, consists of an in-frame substitution of 2 nucleotides from position 1880 to 1881, resulting in the insertion of <NA> residues. Based on insufficient or conflicting evidence, the clinical significance of this alteration remains unclear.